The following is an entry in ClinVar:

ClinVar aggregate classification (germline): Likely pathogenic (1 of 4 stars; one submission).

Submission:

GeneDx
Classification: Likely pathogenic. Last evaluated: 2024-05-21. Review status: criteria provided, single submitter. Criteria: GeneDx Variant Classification Process June 2021. Collection method: clinical testing. Allele origin: germline. Affected: yes.
Comment: Nonsense variant in the C-terminus predicted to result in protein truncation, as the last 277 amino acids are lost, and other loss-of-function variants have been reported downstream in HGMD; Not observed at significant frequency in large population cohorts (gnomAD); Has not been previously published as pathogenic or benign to our knowledge

NM_002655.3(PLAG1):c.670C>T (p.Arg224Ter)

Genes: PLAG1 (PLAG1 zinc finger; minus strand), LOC126860395 (BRD4-independent group 4 enhancer GRCh37_chr8:57079228-57080427; plus strand). Cytogenetic location: 8q12.1.
Variant type: single nucleotide variant.
Coding change: c.670C>T on transcript NM_002655.3 (MANE Select); coding-DNA position 670, C replaced by T.
Protein change: p.Arg224Ter; replaces arginine 224 with a stop codon.
Molecular consequence: nonsense.
Genome position (GRCh38, 1-based): chr8:56,167,076, G>A on the plus strand (C>T on the coding strand, the complement: PLAG1 is on the minus strand). VCF-style: chr8-56167076-G-A. GRCh37 (hg19) VCF-style: chr8-57079635-G-A.
Other names: c.670C>T, p.Arg224Ter (NM_001114634.2); c.424C>T, p.Arg142Ter (NM_001114635.2); short protein forms R142*, R224*.
Identifiers: ClinVar variation 3381426 (VCV003381426.1).